The following is an entry in ClinVar:

NM_001371904.1(APOA5):c.740A>G (p.Gln247Arg)

Gene: APOA5 (apolipoprotein A5; minus strand). Cytogenetic location: 11q23.3.
Variant type: single nucleotide variant.
Coding change: c.740A>G on transcript NM_001371904.1 (MANE Select); coding-DNA position 740, A replaced by G.
Protein change: p.Gln247Arg; replaces glutamine 247 with arginine.
Molecular consequence: missense variant.
Genome position (GRCh38, 1-based): chr11:116,790,489, T>C on the plus strand (A>G on the coding strand, the complement: APOA5 is on the minus strand). VCF-style: chr11-116790489-T-C. GRCh37 (hg19) VCF-style: chr11-116661205-T-C.
Other names: c.740A>G, p.Gln247Arg (NM_001166598.2, NM_052968.5); short protein forms Q247R.
Identifiers: ClinVar variation 1758772 (VCV001758772.5), dbSNP rs774692220, ClinGen allele CA6289007.
Genomic context (GRCh38, chr11:116,790,489, plus strand): 5'-TCAGTCCCAGTGCCTGCAAAGGCTCTGCTGAGCTCTTCGCGCAGCTGGTCCAGGTTCTGC[T>C]GGATGCGTGCGTGCAGGGCCTTGGCCTTGAGCGTGAGCTTCCGGGAGAGCACCTGCACGC-3'
Protein context (NP_001358833.1, residues 237-257): LKAKALHARI[Gln247Arg]QNLDQLREEL

ClinVar aggregate classification (germline): Uncertain significance. Review status: criteria provided, multiple submitters, no conflicts (2 of 4 stars). 2 submissions from 2 submitters: Uncertain significance (2). Last evaluated 2025-06-28.

Conditions:
Cardiovascular phenotype. Identifiers: MedGen CN230736.

Allele frequency attached by ClinVar (database versions not stated): gnomAD exomes below 0.00001; ExAC 0.00002; TOPMed 0.00005; gnomAD 0.00006.
gnomAD v4.1: 13 of 1,602,186 alleles (0.00081%); highest among the groups gnomAD compares: African/African-American, 0.017%; no homozygotes.

Submissions (2):

Ambry Genetics
Classification: Uncertain significance for Cardiovascular phenotype. Last evaluated: 2025-06-28. Review status: criteria provided, single submitter. Criteria: Ambry Variant Classification Scheme 2023. Collection method: clinical testing. Allele origin: germline.
Comment: The p.Q247R variant (also known as c.740A>G), located in coding exon 3 of the APOA5 gene, results from an A to G substitution at nucleotide position 740. The glutamine at codon 247 is replaced by arginine, an amino acid with highly similar properties. This amino acid position is conserved. In addition, this alteration is predicted to be tolerated by in silico analysis. Since supporting evidence is limited at this time, the clinical significance of this alteration remains unclear.

Labcorp Genetics (formerly Invitae), Labcorp
Classification: Uncertain significance. Last evaluated: 2024-10-29. Review status: criteria provided, single submitter. Criteria: Invitae Variant Classification Sherloc (09022015). Collection method: clinical testing. Allele origin: germline.
Comment: This sequence change replaces glutamine, which is neutral and polar, with arginine, which is basic and polar, at codon 247 of the APOA5 protein (p.Gln247Arg). This variant is present in population databases (rs774692220, gnomAD 0.02%). This missense change has been observed in individual(s) with clinical features of APOA5-related conditions (PMID: 36325899). ClinVar contains an entry for this variant (Variation ID: 1758772). An algorithm developed to predict the effect of missense changes on protein structure and function (PolyPhen-2) suggests that this variant is likely to be tolerated. In summary, the available evidence is currently insufficient to determine the role of this variant in disease. Therefore, it has been classified as a Variant of Uncertain Significance.

Literature cited by the submitters: PubMed 36325899 (cited by Labcorp Genetics (formerly Invitae), Labcorp).